The following is an entry in ClinVar:

ClinVar aggregate classification (germline): Uncertain significance (1 of 4 stars; one submission).

Conditions:
Hereditary cancer-predisposing syndrome. Also called: Tumor predisposition; Hereditary Cancer Syndrome; Neoplastic Syndromes, Hereditary; Hereditary neoplastic syndrome. Identifiers: Orphanet 140162, MedGen C0027672, MeSH D009386, MONDO:0015356.

Submission:

Ambry Genetics
Classification: Uncertain significance for Hereditary cancer-predisposing syndrome. Last evaluated: 2018-12-14. Review status: criteria provided, single submitter. Criteria: Ambry Variant Classification Scheme 2023. Collection method: clinical testing. Allele origin: germline.
Comment: The p.S293R variant (also known as c.879C>A), located in coding exon 3 of the PHOX2B gene, results from a C to A substitution at nucleotide position 879. The serine at codon 293 is replaced by arginine, an amino acid with dissimilar properties. This amino acid position is well conserved in available vertebrate species. In addition, the in silico prediction for this alteration is inconclusive. Since supporting evidence is limited at this time, the clinical significance of this alteration remains unclear.

NM_003924.4(PHOX2B):c.879C>A (p.Ser293Arg)

Gene: PHOX2B (paired like homeobox 2B; minus strand). Cytogenetic location: 4p13.
Variant type: single nucleotide variant.
Coding change: c.879C>A on transcript NM_003924.4 (MANE Select); coding-DNA position 879, C replaced by A.
Protein change: p.Ser293Arg; replaces serine 293 with arginine.
Molecular consequence: missense variant.
Genome position (GRCh38, 1-based): chr4:41,745,873, G>T on the plus strand (C>A on the coding strand, the complement: PHOX2B is on the minus strand). VCF-style: chr4-41745873-G-T. GRCh37 (hg19) VCF-style: chr4-41747890-G-T.
Other names: short protein forms S293R.
Identifiers: ClinVar variation 822743 (VCV000822743.4), dbSNP rs1577558732, ClinGen allele CA356736881.